The following is an entry in ClinVar:

NM_025114.4(CEP290):c.4634T>C (p.Met1545Thr)

Gene: CEP290 (centrosomal protein 290; minus strand). Cytogenetic location: 12q21.32.
Variant type: single nucleotide variant.
Coding change: c.4634T>C on transcript NM_025114.4 (MANE Select); coding-DNA position 4634, T replaced by C.
Protein change: p.Met1545Thr; replaces methionine 1545 with threonine.
Molecular consequence: missense variant.
Genome position (GRCh38, 1-based): chr12:88,084,656, A>G on the plus strand (T>C on the coding strand, the complement: CEP290 is on the minus strand). VCF-style: chr12-88084656-A-G. GRCh37 (hg19) VCF-style: chr12-88478433-A-G.
Other names: short protein forms M1545T.
Identifiers: ClinVar variation 970091 (VCV000970091.8), dbSNP rs1217427527, ClinGen allele CA385994867.

ClinVar aggregate classification (germline): Uncertain significance. Review status: criteria provided, multiple submitters, no conflicts (2 of 4 stars). 3 submissions from 3 submitters: Uncertain significance (2). 1 of the submissions does not count toward it. Last evaluated 2024-08-29.

Conditions:
Nephronophthisis. Also called: Juvenile Nephronophthisis. Identifiers: Orphanet 655, MedGen C0687120, MONDO:0019005, HP:0000090.
Meckel-Gruber syndrome. Also called: DYSENCEPHALIA SPLANCHNOCYSTICA; GRUBER SYNDROME; Dysencephalia splachnocystica. Identifiers: Orphanet 564, MedGen C0265215, MONDO:0018921.
Joubert syndrome. Also called: JOUBERT-BOLTSHAUSER SYNDROME; Familial aplasia of the vermis. Identifiers: Orphanet 475, MedGen C5979921, MONDO:0018772.
Leber congenital amaurosis (LCA). Also called: Leber's amaurosis. Identifiers: Orphanet 65, MedGen C0339527, MeSH D057130, MONDO:0018998.

Allele frequency attached by ClinVar (database versions not stated): gnomAD 0.00001; gnomAD exomes 0.00001 and 0.00003; TOPMed 0.00001.

Submissions (3):

Blueprint Genetics
Classification: Uncertain significance. Last evaluated: 2024-08-29. Review status: criteria provided, single submitter. Criteria: ACMG Guidelines, 2015. Collection method: clinical testing. Allele origin: germline.

Labcorp Genetics (formerly Invitae), Labcorp
Classification: Uncertain significance for Joubert syndrome; Meckel-Gruber syndrome; Nephronophthisis. Last evaluated: 2021-09-01. Review status: criteria provided, single submitter. Criteria: Invitae Variant Classification Sherloc (09022015). Collection method: clinical testing. Allele origin: germline.
Comment: This sequence change replaces methionine with threonine at codon 1545 of the CEP290 protein (p.Met1545Thr). The methionine residue is moderately conserved and there is a moderate physicochemical difference between methionine and threonine. This variant is not present in population databases (ExAC no frequency). This variant has not been reported in the literature in individuals affected with CEP290-related conditions. Algorithms developed to predict the effect of missense changes on protein structure and function are either unavailable or do not agree on the potential impact of this missense change (SIFT: "Deleterious"; PolyPhen-2: "Possibly Damaging"; Align-GVGD: "Class C0"). In summary, the available evidence is currently insufficient to determine the role of this variant in disease. Therefore, it has been classified as a Variant of Uncertain Significance.

Natera, Inc.
Classification: Uncertain significance for Leber congenital amaurosis. Last evaluated: 2020-02-17. Review status: no assertion criteria provided. Collection method: clinical testing. Allele origin: germline. Not counted in ClinVar's aggregate classification.